The following is an entry in ClinVar:

NM_000245.4(MET):c.3341-10G>A

Gene: MET (MET proto-oncogene, receptor tyrosine kinase; plus strand). Cytogenetic location: 7q31.2.
Variant type: single nucleotide variant.
Coding change: c.3341-10G>A on transcript NM_000245.4 (MANE Select); 10 bases into the intron before coding-DNA position 3341, G replaced by A.
Molecular consequence: intron variant.
Genome position (GRCh38, 1-based): chr7:116,778,766, G>A. VCF-style: chr7-116778766-G-A. GRCh37 (hg19) VCF-style: chr7-116418820-G-A.
Other names: c.3395-10G>A (NM_001127500.3); c.2051-10G>A (NM_001324402.2).
Identifiers: ClinVar variation 1112351 (VCV001112351.11), dbSNP rs1281663962, ClinGen allele CA577680698.
Genomic context (GRCh38, chr7:116,778,766, plus strand): 5'-CTATCTAAATTTGACAAAAGTATTCACTGTTCCATAATGAAGTTAATGTCTCCACCACTG[G>A]ATTTCTCAGGAATCACTGACATAGGAGAAGTTTCCCAATTTCTGACCGAGGGAATCATCA-3'

ClinVar aggregate classification (germline): Likely benign. Review status: criteria provided, multiple submitters, no conflicts (2 of 4 stars). 2 submissions from 2 submitters: Likely benign (2). Last evaluated 2025-09-12.

Conditions:
Papillary renal cell carcinoma type 1 (RCCP1). Also called: Renal adenocarcinoma; Renal cell carcinoma 1; Renal cell carcinoma, somatic; RENAL CELL CARCINOMA, PAPILLARY, 1, SOMATIC. Identifiers: Orphanet 47044, MedGen C1336839, OMIM 605074, HP:0011797.
Renal cell carcinoma. Identifiers: Orphanet 217071, MedGen C0007134, MeSH D002292, MONDO:0005086, HP:0005584.

Allele frequency attached by ClinVar (database versions not stated): gnomAD 0.00001.
gnomAD v4.1: 2 of 1,613,638 alleles (0.00012%); highest among the groups gnomAD compares: Non-Finnish European, 0.00017%; no homozygotes.

Submissions (2):

Labcorp Genetics (formerly Invitae), Labcorp
Classification: Likely benign for Renal cell carcinoma. Last evaluated: 2025-09-12. Review status: criteria provided, single submitter. Criteria: Invitae Variant Classification Sherloc (09022015). Collection method: clinical testing. Allele origin: germline.

Myriad Genetics, Inc.
Classification: Likely benign for Papillary renal cell carcinoma type 1. Last evaluated: 2024-11-13. Review status: criteria provided, single submitter. Criteria: Myriad Autosomal Dominant, Autosomal Recessive and X-Linked Classification Criteria (2023). Collection method: clinical testing. Allele origin: unknown.
Comment: This variant is considered likely benign. This variant is intronic and is not expected to impact mRNA splicing.